The following is an entry in ClinVar:

ClinVar aggregate classification (germline): Conflicting classifications of pathogenicity. Review status: criteria provided, conflicting classifications (1 of 4 stars). 4 submissions from 4 submitters: Uncertain significance (1); Likely benign (2). 1 of the submissions does not count toward it. Last evaluated 2025-08-29.

Conditions:
ADORA1-related disorder. Also called: ADORA1-related condition.

Allele frequency attached by ClinVar (database versions not stated): gnomAD exomes 0.00018 and 0.00056; ExAC 0.00064; gnomAD 0.00192 and 0.00206; 1000 Genomes Project 0.00200; 1000 Genomes Project 30x 0.00219; TOPMed 0.00219; ESP Exome Variant Server 0.00246.
gnomAD v4.1: 565 of 1,614,182 alleles (0.035%); highest among the groups gnomAD compares: African/African-American, 0.65%; 3 homozygotes.

Submissions (4):

Ambry Genetics
Classification: Uncertain significance. Last evaluated: 2025-08-29. Review status: criteria provided, single submitter. Criteria: Ambry Variant Classification Scheme 2023. Collection method: clinical testing. Allele origin: germline.

Labcorp Genetics (formerly Invitae), Labcorp
Classification: Likely benign. Last evaluated: 2018-12-11. Review status: criteria provided, single submitter. Criteria: Invitae Variant Classification Sherloc (09022015). Collection method: clinical testing. Allele origin: germline.

Breakthrough Genomics
Classification: Likely benign. Review status: criteria provided, single submitter. Criteria: ACMG Guidelines, 2015. Collection method: not provided. Allele origin: germline. Inheritance: Unknown mechanism. Affected: yes.

PreventionGenetics, part of Exact Sciences
Classification: Benign for ADORA1-related condition. Last evaluated: 2024-05-16. Review status: no assertion criteria provided. Collection method: clinical testing. Allele origin: germline. Not counted in ClinVar's aggregate classification.
Comment: This variant is classified as benign based on ACMG/AMP sequence variant interpretation guidelines (Richards et al. 2015 PMID: 25741868, with internal and published modifications).

NM_000674.3(ADORA1):c.157G>A (p.Val53Met)

Gene: ADORA1 (adenosine A1 receptor; plus strand). Cytogenetic location: 1q32.1.
Variant type: single nucleotide variant.
Coding change: c.157G>A on transcript NM_000674.3 (MANE Select); coding-DNA position 157, G replaced by A.
Protein change: p.Val53Met; replaces valine 53 with methionine.
Molecular consequence: missense variant. On other transcripts: 5 prime UTR variant (2).
Genome position (GRCh38, 1-based): chr1:203,128,998, G>A. VCF-style: chr1-203128998-G-A. GRCh37 (hg19) VCF-style: chr1-203098126-G-A.
Other names: c.157G>A, p.Val53Met (NM_001048230.2); c.-253G>A (NM_001365065.1); c.-267G>A (NM_001365066.1); short protein forms V53M.
Identifiers: ClinVar variation 725560 (VCV000725560.7), dbSNP rs61731146, ClinGen allele CA1338316.